The following is an entry in ClinVar:

NM_001365951.3(KIF1B):c.2860G>C (p.Asp954His)

Genes: KIF1B (kinesin family member 1B; plus strand), LOC126805614 (BRD4-independent group 4 enhancer GRCh37_chr1:10385546-10386745; plus strand). Cytogenetic location: 1p36.22.
Variant type: single nucleotide variant.
Coding change: c.2860G>C on transcript NM_001365951.3 (MANE Select); coding-DNA position 2860, G replaced by C.
Protein change: p.Asp954His; replaces aspartic acid 954 with histidine.
Molecular consequence: missense variant.
Genome position (GRCh38, 1-based): chr1:10,326,295, G>C. VCF-style: chr1-10326295-G-C. GRCh37 (hg19) VCF-style: chr1-10386353-G-C.
Other names: p.Asp908His; c.2860G>C, p.Asp954His (NM_001365952.1); c.2722G>C, p.Asp908His (NM_015074.3); short protein forms D908H, D954H.
Identifiers: ClinVar variation 1693747 (VCV001693747.7), dbSNP rs1413030056, ClinGen allele CA338337383.

ClinVar aggregate classification (germline): Uncertain significance. Review status: criteria provided, multiple submitters, no conflicts (2 of 4 stars). 2 submissions from 2 submitters: Uncertain significance (2). Last evaluated 2025-10-10.

Allele frequency attached by ClinVar (database versions not stated): gnomAD exomes below 0.00001; gnomAD 0.00001; TOPMed below 0.00001.
gnomAD v4.1: 8 of 1,614,110 alleles (0.0005%); highest among the groups gnomAD compares: Non-Finnish European, 0.00068%; no homozygotes.

Submissions (2):

Ambry Genetics
Classification: Uncertain significance. Last evaluated: 2025-10-10. Review status: criteria provided, single submitter. Criteria: Ambry Variant Classification Scheme 2023. Collection method: clinical testing. Allele origin: germline.
Comment: The p.D908H variant (also known as c.2722G>C), located in coding exon 24 of the KIF1B gene, results from a G to C substitution at nucleotide position 2722. The aspartic acid at codon 908 is replaced by histidine, an amino acid with similar properties. This amino acid position is conserved. In addition, the in silico prediction for this alteration is inconclusive. Since supporting evidence is limited at this time, the clinical significance of this alteration remains unclear.

Mayo Clinic Laboratories, Mayo Clinic
Classification: Uncertain significance. Last evaluated: 2021-06-17. Review status: criteria provided, single submitter. Criteria: ACMG Guidelines, 2015. Collection method: clinical testing. Allele origin: germline.